The following is an entry in ClinVar:

ClinVar aggregate classification (germline): Uncertain significance. Review status: criteria provided, multiple submitters, no conflicts (2 of 4 stars). 2 submissions from 2 submitters: Uncertain significance (2). Last evaluated 2025-04-26.

Conditions:
Aicardi-Goutieres syndrome 7 (AGS7). Identifiers: Orphanet 51, MedGen C3888244, MONDO:0014367, OMIM 615846.
Singleton-Merten syndrome 1 (SGMRT1). Also called: Widened medullary cavities of bone, aortic calcification, abnormal dentition, and muscular weakness; Syndrome of widened medullary cavities of the metacarpals and phalanges, aortic calcification and abnormal dentition. Identifiers: Orphanet 85191, MedGen C4225427, MONDO:0024535, OMIM 182250.

Submissions (2):

GeneDx
Classification: Uncertain significance. Last evaluated: 2025-04-26. Review status: criteria provided, single submitter. Criteria: GeneDx Variant Classification Process June 2021. Collection method: clinical testing. Allele origin: germline. Affected: yes.
Comment: Not observed at significant frequency in large population cohorts (gnomAD); In silico analysis supports that this missense variant has a deleterious effect on protein structure/function; Has not been previously published as pathogenic or benign to our knowledge

Labcorp Genetics (formerly Invitae), Labcorp
Classification: Uncertain significance for Aicardi-Goutieres syndrome 7; Singleton-Merten syndrome 1. Last evaluated: 2024-12-07. Review status: criteria provided, single submitter. Criteria: Invitae Variant Classification Sherloc (09022015). Collection method: clinical testing. Allele origin: germline.
Comment: This sequence change replaces tryptophan, which is neutral and slightly polar, with cysteine, which is neutral and slightly polar, at codon 1003 of the IFIH1 protein (p.Trp1003Cys). This variant is not present in population databases (gnomAD no frequency). This variant has not been reported in the literature in individuals affected with IFIH1-related conditions. Invitae Evidence Modeling of protein sequence and biophysical properties (such as structural, functional, and spatial information, amino acid conservation, physicochemical variation, residue mobility, and thermodynamic stability) has been performed for this missense variant. However, the output from this modeling did not meet the statistical confidence thresholds required to predict the impact of this variant on IFIH1 protein function. In summary, the available evidence is currently insufficient to determine the role of this variant in disease. Therefore, it has been classified as a Variant of Uncertain Significance.

NM_022168.4(IFIH1):c.3009G>T (p.Trp1003Cys)

Gene: IFIH1 (interferon induced with helicase C domain 1; minus strand). Cytogenetic location: 2q24.2.
Variant type: single nucleotide variant.
Coding change: c.3009G>T on transcript NM_022168.4 (MANE Select); coding-DNA position 3009, G replaced by T.
Protein change: p.Trp1003Cys; replaces tryptophan 1003 with cysteine.
Molecular consequence: missense variant.
Genome position (GRCh38, 1-based): chr2:162,267,269, C>A on the plus strand (G>T on the coding strand, the complement: IFIH1 is on the minus strand). VCF-style: chr2-162267269-C-A. GRCh37 (hg19) VCF-style: chr2-163123779-C-A.
Other names: c.3009G>T (NM_022168.3); short protein forms W1003C.
Identifiers: ClinVar variation 3753217 (VCV003753217.3).